The following is an entry in ClinVar:

NM_005879.3(TRAIP):c.920_921delinsTT (p.Arg307Leu)

Gene: TRAIP (TRAF interacting protein; minus strand). Cytogenetic location: 3p21.31.
Variant type: Indel.
Coding change: c.920_921delinsTT on transcript NM_005879.3 (MANE Select); coding-DNA positions 920 to 921, GG replaced by TT.
Protein change: p.Arg307Leu; replaces arginine 307 with leucine.
Molecular consequence: missense variant.
Genome position (GRCh38, 1-based): chr3:49,832,032-49,832,033, CC replaced by AA on the plus strand (GG replaced by TT on the coding strand, the reverse complement: TRAIP is on the minus strand). VCF-style: chr3-49832032-CC-AA. GRCh37 (hg19) VCF-style: chr3-49869465-CC-AA.
Other names: short protein forms R307L.
Identifiers: ClinVar variation 2014652 (VCV002014652.4), dbSNP rs2544955602, ClinGen allele CA2580070095.

ClinVar aggregate classification (germline): Uncertain significance (1 of 4 stars; one submission).

Submission:

Labcorp Genetics (formerly Invitae), Labcorp
Classification: Uncertain significance. Last evaluated: 2022-07-06. Review status: criteria provided, single submitter. Criteria: Invitae Variant Classification Sherloc (09022015). Collection method: clinical testing. Allele origin: germline.
Comment: In summary, the available evidence is currently insufficient to determine the role of this variant in disease. Therefore, it has been classified as a Variant of Uncertain Significance. Algorithms developed to predict the effect of missense changes on protein structure and function are either unavailable or do not agree on the potential impact of this missense change (SIFT: "Not Available"; PolyPhen-2: "Benign"; Align-GVGD: "Not Available"). This variant has not been reported in the literature in individuals affected with TRAIP-related conditions. Information on the frequency of this variant in the gnomAD database is not available, as this variant may be reported differently in the database. This sequence change replaces arginine, which is basic and polar, with leucine, which is neutral and non-polar, at codon 307 of the TRAIP protein (p.Arg307Leu).